The following is an entry in ClinVar:

NM_000075.4(CDK4):c.540C>T (p.Tyr180=)

Gene: CDK4 (cyclin dependent kinase 4; minus strand). Cytogenetic location: 12q14.1.
Variant type: single nucleotide variant.
Coding change: c.540C>T on transcript NM_000075.4 (MANE Select); coding-DNA position 540, C replaced by T.
Protein change: p.Tyr180=; no amino-acid change (tyrosine 180 retained).
Molecular consequence: synonymous variant.
Genome position (GRCh38, 1-based): chr12:57,750,748, G>A on the plus strand (C>T on the coding strand, the complement: CDK4 is on the minus strand). VCF-style: chr12-57750748-G-A. GRCh37 (hg19) VCF-style: chr12-58144531-G-A.
Other names: c.540C>T (NM_000075.3).
Identifiers: ClinVar variation 3378848 (VCV003378848.4).

ClinVar aggregate classification (germline): Benign/Likely benign. Review status: criteria provided, multiple submitters, no conflicts (2 of 4 stars). 3 submissions from 3 submitters: Benign (1); Likely benign (2). Last evaluated 2026-04-04.

Conditions:
Familial melanoma. Also called: Hereditary melanoma; Hereditary cutaneous melanoma. Identifiers: Orphanet 618, MedGen C1512419, MONDO:0018961.
Melanoma, cutaneous malignant, susceptibility to, 3. Also called: Cutaneous malignant melanoma 3. Identifiers: Orphanet 618, MedGen C1836892, MONDO:0012183, OMIM 609048.
Hereditary cancer-predisposing syndrome. Also called: Neoplastic Syndromes, Hereditary; Tumor predisposition; Hereditary Cancer Syndrome; Hereditary neoplastic syndrome. Identifiers: Orphanet 140162, MedGen C0027672, MeSH D009386, MONDO:0015356.

Submissions (3):

Ambry Genetics
Classification: Likely benign for Hereditary cancer-predisposing syndrome. Last evaluated: 2026-04-04. Review status: criteria provided, single submitter. Criteria: Ambry Variant Classification Scheme 2023. Collection method: clinical testing. Allele origin: germline.

Labcorp Genetics (formerly Invitae), Labcorp
Classification: Likely benign for Familial melanoma. Last evaluated: 2025-12-04. Review status: criteria provided, single submitter. Criteria: Invitae Variant Classification Sherloc (09022015). Collection method: clinical testing. Allele origin: germline.

Myriad Genetics, Inc.
Classification: Benign for Melanoma, cutaneous malignant, susceptibility to, 3. Last evaluated: 2024-09-26. Review status: criteria provided, single submitter. Criteria: Myriad Autosomal Dominant, Autosomal Recessive and X-Linked Classification Criteria (2023). Collection method: clinical testing. Allele origin: unknown.
Comment: This variant is considered benign. This variant is a silent/synonymous amino acid change and it is not expected to impact splicing.